The following is an entry in ClinVar:

NM_001458.5(FLNC):c.2930A>G (p.Lys977Arg)

Gene: FLNC (filamin C; plus strand). Cytogenetic location: 7q32.1.
Variant type: single nucleotide variant.
Coding change: c.2930A>G on transcript NM_001458.5 (MANE Select); coding-DNA position 2930, A replaced by G.
Protein change: p.Lys977Arg; replaces lysine 977 with arginine.
Molecular consequence: missense variant.
Genome position (GRCh38, 1-based): chr7:128,844,004, A>G. VCF-style: chr7-128844004-A-G. GRCh37 (hg19) VCF-style: chr7-128484058-A-G.
Other names: c.2930A>G, p.Lys977Arg (NM_001127487.2); short protein forms K977R.
Identifiers: ClinVar variation 955069 (VCV000955069.7), dbSNP rs1808450221, ClinGen allele CA369193606.
Genomic context (GRCh38, chr7:128,844,004, plus strand): 5'-AGGGGTATTCGGGTAGGGTGGACCGGAGTCTCCTCATGGTGTCACTTGCCCTCCACGCAG[A>G]GGTGGCTGTGGGACAGGAACAAGCATTCTCTGTGAACACACGAGGGGCTGGCGGTCAGGG-3'
Protein context (NP_001449.3, residues 967-987): SKIKVQGLNS[Lys977Arg]VAVGQEQAFS

ClinVar aggregate classification (germline): Uncertain significance (1 of 4 stars; one submission).

Conditions:
Hypertrophic cardiomyopathy 26. Also called: Cardiomyopathy, familial hypertrophic, 26. Identifiers: Orphanet 75249, MedGen C4310749, MONDO:0014883, OMIM 617047.
Myofibrillar myopathy 5. Also called: FILAMINOPATHY, AUTOSOMAL DOMINANT; Filaminopathy (type). Identifiers: Orphanet 171445, MedGen C1836050, MONDO:0012289, OMIM 609524.
Distal myopathy with posterior leg and anterior hand involvement. Also called: WILLIAMS DISTAL MYOPATHY. Identifiers: Orphanet 63273, MedGen C3279722, MONDO:0013550, OMIM 614065.

Allele frequency attached by ClinVar (database versions not stated): TOPMed below 0.00001; gnomAD 0.00001.
gnomAD v4.1: 1 of 1,614,020 alleles (0.000062%); highest among the groups gnomAD compares: Non-Finnish European, 0.000085%; no homozygotes.

Submission:

Labcorp Genetics (formerly Invitae), Labcorp
Classification: Uncertain significance for Distal myopathy with posterior leg and anterior hand involvement; Myofibrillar myopathy 5; Hypertrophic cardiomyopathy 26. Last evaluated: 2023-08-11. Review status: criteria provided, single submitter. Criteria: Invitae Variant Classification Sherloc (09022015). Collection method: clinical testing. Allele origin: germline.
Comment: This sequence change replaces lysine, which is basic and polar, with arginine, which is basic and polar, at codon 977 of the FLNC protein (p.Lys977Arg). In summary, the available evidence is currently insufficient to determine the role of this variant in disease. Therefore, it has been classified as a Variant of Uncertain Significance. An algorithm developed to predict the effect of missense changes on protein structure and function (PolyPhen-2) suggests that this variant is likely to be disruptive. ClinVar contains an entry for this variant (Variation ID: 955069). This variant has not been reported in the literature in individuals affected with FLNC-related conditions. This variant is not present in population databases (gnomAD no frequency).